The following is an entry in ClinVar:

NM_012186.3(FOXE3):c.353G>C (p.Ser118Thr)

Genes: FOXE3 (forkhead box E3; plus strand), LINC01389 (long independently transcribed non-coding RNA 1389; minus strand). Cytogenetic location: 1p33.
Variant type: single nucleotide variant.
Coding change: c.353G>C on transcript NM_012186.3 (MANE Select); coding-DNA position 353, G replaced by C.
Protein change: p.Ser118Thr; replaces serine 118 with threonine.
Molecular consequence: missense variant.
Genome position (GRCh38, 1-based): chr1:47,416,668, G>C. VCF-style: chr1-47416668-G-C. GRCh37 (hg19) VCF-style: chr1-47882340-G-C.
Other names: short protein forms S118T.
Identifiers: ClinVar variation 2922479 (VCV002922479.3), dbSNP rs761953276, ClinGen allele CA842946.

ClinVar aggregate classification (germline): Uncertain significance (1 of 4 stars; one submission).

Conditions:
Anterior segment dysgenesis. Also called: Ocular anterior segment dysgenesis. Identifiers: Orphanet 88632, MedGen C1862839, MONDO:0019503, HP:0007700.
Congenital primary aphakia. Also called: Anterior segment dysgenesis 2, multiple subtypes; ANTERIOR SEGMENT DYSGENESIS 2. Identifiers: Orphanet 83461, MedGen C1853230, MONDO:0012456, OMIM 610256.

Allele frequency attached by ClinVar (database versions not stated): gnomAD exomes below 0.00001; TOPMed below 0.00001; ExAC 0.00001.
gnomAD v4.1: 1 of 1,609,842 alleles (0.000062%); highest among the groups gnomAD compares: Non-Finnish European, 0.000085%; no homozygotes.

Submission:

Labcorp Genetics (formerly Invitae), Labcorp
Classification: Uncertain significance for Anterior segment dysgenesis; Congenital primary aphakia. Last evaluated: 2023-07-28. Review status: criteria provided, single submitter. Criteria: Invitae Variant Classification Sherloc (09022015). Collection method: clinical testing. Allele origin: germline.
Comment: This sequence change replaces serine, which is neutral and polar, with threonine, which is neutral and polar, at codon 118 of the FOXE3 protein (p.Ser118Thr). This variant is present in population databases (rs761953276, gnomAD 0.0009%). This variant has not been reported in the literature in individuals affected with FOXE3-related conditions. Advanced modeling of protein sequence and biophysical properties (such as structural, functional, and spatial information, amino acid conservation, physicochemical variation, residue mobility, and thermodynamic stability) performed at Invitae indicates that this missense variant is expected to disrupt FOXE3 protein function. In summary, the available evidence is currently insufficient to determine the role of this variant in disease. Therefore, it has been classified as a Variant of Uncertain Significance.